The following is an entry in ClinVar:

NM_000465.4(BARD1):c.277C>G (p.Gln93Glu)

Gene: BARD1 (BRCA1 associated RING domain 1; minus strand). Cytogenetic location: 2q35.
Variant type: single nucleotide variant.
Coding change: c.277C>G on transcript NM_000465.4 (MANE Select); coding-DNA position 277, C replaced by G.
Protein change: p.Gln93Glu; replaces glutamine 93 with glutamic acid.
Molecular consequence: missense variant. On other transcripts: non-coding transcript variant (1), intron variant (2).
Genome position (GRCh38, 1-based): chr2:214,792,384, G>C on the plus strand (C>G on the coding strand, the complement: BARD1 is on the minus strand). VCF-style: chr2-214792384-G-C. GRCh37 (hg19) VCF-style: chr2-215657108-G-C.
Other names: c.277C>G (NM_000465.2); c.220C>G, p.Gln74Glu (NM_001282543.2); c.277C>G, p.Gln93Glu (NM_001282549.2); c.158+17028C>G (NM_001282548.2); c.215+4677C>G (NM_001282545.2); short protein forms Q74E, Q93E.
Identifiers: ClinVar variation 1359861 (VCV001359861.10), dbSNP rs876658571, ClinGen allele CA350461098.

ClinVar aggregate classification (germline): Uncertain significance. Review status: criteria provided, multiple submitters, no conflicts (2 of 4 stars). 2 submissions from 2 submitters: Uncertain significance (2). Last evaluated 2024-03-07.

Conditions:
Hereditary cancer-predisposing syndrome. Also called: Tumor predisposition; Hereditary neoplastic syndrome; Neoplastic Syndromes, Hereditary; Hereditary Cancer Syndrome. Identifiers: Orphanet 140162, MedGen C0027672, MeSH D009386, MONDO:0015356.
Familial cancer of breast. Also called: Hereditary breast cancer; BREAST CANCER, FAMILIAL; hereditary breast carcinoma. Identifiers: Orphanet 227535, MedGen C0346153, MONDO:0016419, OMIM 114480. Disease mechanism: loss of function.

Submissions (2):

Labcorp Genetics (formerly Invitae), Labcorp
Classification: Uncertain significance for Familial cancer of breast. Last evaluated: 2024-03-07. Review status: criteria provided, single submitter. Criteria: Invitae Variant Classification Sherloc (09022015). Collection method: clinical testing. Allele origin: germline.
Comment: This sequence change replaces glutamine, which is neutral and polar, with glutamic acid, which is acidic and polar, at codon 93 of the BARD1 protein (p.Gln93Glu). This variant is not present in population databases (gnomAD no frequency). This variant has not been reported in the literature in individuals affected with BARD1-related conditions. ClinVar contains an entry for this variant (Variation ID: 1359861). An algorithm developed to predict the effect of missense changes on protein structure and function (PolyPhen-2) suggests that this variant is likely to be tolerated. In summary, the available evidence is currently insufficient to determine the role of this variant in disease. Therefore, it has been classified as a Variant of Uncertain Significance.

Ambry Genetics
Classification: Uncertain significance for Hereditary cancer-predisposing syndrome. Last evaluated: 2022-11-20. Review status: criteria provided, single submitter. Criteria: Ambry Variant Classification Scheme 2023. Collection method: clinical testing. Allele origin: germline.
Comment: The p.Q93E variant (also known as c.277C>G), located in coding exon 3 of the BARD1 gene, results from a C to G substitution at nucleotide position 277. The glutamine at codon 93 is replaced by glutamic acid, an amino acid with highly similar properties. This amino acid position is conserved. In addition, this alteration is predicted to be tolerated by in silico analysis. Since supporting evidence is limited at this time, the clinical significance of this alteration remains unclear.